The following is an entry in ClinVar:

NM_023110.3(FGFR1):c.1255A>G (p.Lys419Glu)

Gene: FGFR1 (fibroblast growth factor receptor 1; minus strand). Cytogenetic location: 8p11.23.
Variant type: single nucleotide variant.
Coding change: c.1255A>G on transcript NM_023110.3 (MANE Select); coding-DNA position 1255, A replaced by G.
Protein change: p.Lys419Glu; replaces lysine 419 with glutamic acid.
Molecular consequence: missense variant.
Genome position (GRCh38, 1-based): chr8:38,419,562, T>C on the plus strand (A>G on the coding strand, the complement: FGFR1 is on the minus strand). VCF-style: chr8-38419562-T-C. GRCh37 (hg19) VCF-style: chr8-38277080-T-C.
Other names: c.1255A>G, p.Lys419Glu (NM_001174063.2); c.1231A>G, p.Lys411Glu (NM_001174064.2); c.1249A>G, p.Lys417Glu (NM_001174065.2, NM_001354367.2, NM_001354369.2 and 2 more transcripts); c.988A>G, p.Lys330Glu (NM_001174066.2, NM_023105.3); c.1348A>G, p.Lys450Glu (NM_001174067.2); c.982A>G, p.Lys328Glu (NM_001354368.2, NM_001354370.2, NM_023106.3); short protein forms K328E, K330E, K411E, K417E, K419E, K450E.
Identifiers: ClinVar variation 3749355 (VCV003749355.2).
Genomic context (GRCh38, chr8:38,419,562, plus strand): 5'-TGCTGAGTGTGCAAATCCCCCATCTACTTTCTGTTACCTGTCTGCGCAGAGGGATGCTCT[T>C]GGCCAGCTTGTGCACAGCCATCTGGCTGTGGAAGTCACTCTTCTTGGTACCACTCTTCAT-3'
Protein context (NP_075598.2, residues 409-429): HSQMAVHKLA[Lys419Glu]SIPLRRQVTV

ClinVar aggregate classification (germline): Uncertain significance (1 of 4 stars; one submission).

Conditions:
Pfeiffer syndrome (ACS5). Also called: ACS V. Identifiers: Orphanet 710, MedGen C0220658, MONDO:0007043, OMIM 101600.
Hypogonadotropic hypogonadism 2 with or without anosmia (HH2). Also called: HYPOGONADOTROPIC HYPOGONADISM 2 WITHOUT ANOSMIA; HYPOGONADOTROPIC HYPOGONADISM 2 WITH OR WITHOUT ANOSMIA, SUSCEPTIBILITY TO; HYPOGONADOTROPIC HYPOGONADISM 2 WITHOUT ANOSMIA, SUSCEPTIBILITY TO; FGFR1-Related GnRH Deficiency (Kallmann Syndrome 2). Identifiers: Orphanet 478, MedGen C1563720, MONDO:0007844, OMIM 147950. Disease mechanism: loss of function.

Submission:

Labcorp Genetics (formerly Invitae), Labcorp
Classification: Uncertain significance for Pfeiffer syndrome; Hypogonadotropic hypogonadism 2 with or without anosmia. Last evaluated: 2025-01-07. Review status: criteria provided, single submitter. Criteria: Invitae Variant Classification Sherloc (09022015). Collection method: clinical testing. Allele origin: germline.
Comment: This sequence change replaces lysine, which is basic and polar, with glutamic acid, which is acidic and polar, at codon 419 of the FGFR1 protein (p.Lys419Glu). This variant is not present in population databases (gnomAD no frequency). This variant has not been reported in the literature in individuals affected with FGFR1-related conditions. Invitae Evidence Modeling of protein sequence and biophysical properties (such as structural, functional, and spatial information, amino acid conservation, physicochemical variation, residue mobility, and thermodynamic stability) indicates that this missense variant is not expected to disrupt FGFR1 protein function with a negative predictive value of 80%. In summary, the available evidence is currently insufficient to determine the role of this variant in disease. Therefore, it has been classified as a Variant of Uncertain Significance.